The following is an entry in ClinVar:

ClinVar aggregate classification (germline): Likely benign (1 of 4 stars; one submission).

Allele frequency attached by ClinVar (database versions not stated): TOPMed 0.00138; 1000 Genomes Project 30x 0.00156; 1000 Genomes Project 0.00180; ESP Exome Variant Server 0.00223; gnomAD exomes 0.00283; ExAC 0.00423; gnomAD 0.00435.
gnomAD v4.1: 4,754 of 1,613,766 alleles (0.29%); highest among the groups gnomAD compares: Non-Finnish European, 0.21%; 47 homozygotes.

Submission:

CeGaT Center for Human Genetics Tuebingen
Classification: Likely benign. Last evaluated: 2023-01-01. Review status: criteria provided, single submitter. Criteria: CeGaT Center For Human Genetics Tuebingen Variant Classification Criteria Version 2. Collection method: clinical testing. Allele origin: germline. Affected: yes. Observed: 1 variant allele.
Comment: MKI67: BP4, BS2

NM_002417.5(MKI67):c.6017T>C (p.Val2006Ala)

Gene: MKI67 (marker of proliferation Ki-67; minus strand). Cytogenetic location: 10q26.2.
Variant type: single nucleotide variant.
Coding change: c.6017T>C on transcript NM_002417.5 (MANE Select); coding-DNA position 6017, T replaced by C.
Protein change: p.Val2006Ala; replaces valine 2006 with alanine.
Molecular consequence: missense variant.
Genome position (GRCh38, 1-based): chr10:128,105,823, A>G on the plus strand (T>C on the coding strand, the complement: MKI67 is on the minus strand). VCF-style: chr10-128105823-A-G. GRCh37 (hg19) VCF-style: chr10-129904087-A-G.
Other names: c.4937T>C, p.Val1646Ala (NM_001145966.2); short protein forms V1646A, V2006A.
Identifiers: ClinVar variation 2640965 (VCV002640965.24), dbSNP rs145634203, ClinGen allele CA5746494.